The following is an entry in ClinVar:

NM_000256.3(MYBPC3):c.821+3G>T

Gene: MYBPC3 (myosin binding protein C3; minus strand). Cytogenetic location: 11p11.2.
Variant type: single nucleotide variant.
Coding change: c.821+3G>T on transcript NM_000256.3 (MANE Select); 3 bases into the intron after coding-DNA position 821, G replaced by T.
Molecular consequence: intron variant.
Genome position (GRCh38, 1-based): chr11:47,347,854, C>A on the plus strand (G>T on the coding strand, the complement: MYBPC3 is on the minus strand). VCF-style: chr11-47347854-C-A. GRCh37 (hg19) VCF-style: chr11-47369405-C-A.
Identifiers: ClinVar variation 228869 (VCV000228869.29), dbSNP rs727503213, ClinGen allele CA10576893.

ClinVar aggregate classification (germline): Pathogenic/Likely pathogenic. Review status: criteria provided, multiple submitters, no conflicts (2 of 4 stars). 9 submissions from 9 submitters: Pathogenic (3); Likely pathogenic (5). 1 of the submissions does not count toward it. Last evaluated 2026-01-26.

Conditions:
Cardiovascular phenotype. Identifiers: MedGen CN230736.
Cardiomyopathy (CMYO). Also called: Cardiomyopathies. Identifiers: Orphanet 167848, MedGen C0878544, MONDO:0004994, HP:0001638. Inheritance: Various modes of inheritance.
Hypertrophic cardiomyopathy 4. Also called: Familial hypertrophic cardiomyopathy 4. Identifiers: MedGen C1861862, MONDO:0007268, OMIM 115197.
Hypertrophic cardiomyopathy. Also called: HYPERTROPHIC MYOCARDIOPATHY. Identifiers: Orphanet 217569, MedGen C0007194, MeSH D002312, MONDO:0005045, HP:0001639.

gnomAD v4.1: 1 of 1,564,400 alleles (0.000064%); highest among the groups gnomAD compares: Middle Eastern, 0.017%; no homozygotes.

Submissions (9):

GeneDx
Classification: Likely pathogenic. Last evaluated: 2026-01-26. Review status: criteria provided, single submitter. Criteria: GeneDx Variant Classification Process June 2021. Collection method: clinical testing. Allele origin: germline. Affected: yes.
Comment: Published functional studies suggest skipping of exon 7 (PMID: 30645170); Not observed in large population cohorts (gnomAD); In silico analysis supports a deleterious effect on splicing; This variant is associated with the following publications: (PMID: 31513939, 23233322, 30645170, 36243179, 36252119, 36264615, 39260623)

Molecular Diagnostic Laboratory for Inherited Cardiovascular Disease, Montreal Heart Institute
Classification: Pathogenic for Cardiovascular phenotype. Last evaluated: 2025-12-24. Review status: criteria provided, single submitter. Criteria: ACMG Guidelines, 2015. Collection method: clinical testing. Allele origin: germline. Affected: yes.
Comment: PVS1, PS4_supp, PM2

Labcorp Genetics (formerly Invitae), Labcorp
Classification: Pathogenic for Hypertrophic cardiomyopathy. Last evaluated: 2025-09-16. Review status: criteria provided, single submitter. Criteria: Invitae Variant Classification Sherloc (09022015). Collection method: clinical testing. Allele origin: germline.
Comment: This sequence change falls in intron 7 of the MYBPC3 gene. It does not directly change the encoded amino acid sequence of the MYBPC3 protein. RNA analysis indicates that this variant induces altered splicing and may result in an absent or altered protein product. This variant is not present in population databases (gnomAD no frequency). This variant has been observed in individuals with hypertrophic cardiomyopathy (PMID: 23233322, 30645170, 31513939). It has also been observed to segregate with disease in related individuals. ClinVar contains an entry for this variant (Variation ID: 228869). Variants that disrupt the consensus splice site are a relatively common cause of aberrant splicing (PMID: 17576681, 9536098). Studies have shown that this variant results in skipping of exon 7, and produces a non-functional protein and/or introduces a premature termination codon (PMID: 30645170). For these reasons, this variant has been classified as Pathogenic.

Ambry Genetics
Classification: Likely pathogenic for Cardiovascular phenotype. Last evaluated: 2024-09-10. Review status: criteria provided, single submitter. Criteria: Ambry Variant Classification Scheme 2023. Collection method: clinical testing. Allele origin: germline.
Comment: The c.821+3G>T intronic variant results from a G to T substitution 3 nucleotides after coding exon 7 in the MYBPC3 gene. This variant has been reported in multiple individuals with hypertrophic cardiomyopathy (HCM) and has been shown to segregate with disease in two affected relatives (Kassem HSh et al. J Cardiovasc Transl Res, 2013 Feb;6:65-80; Singer ES et al. Circ Genom Precis Med, 2019 01;12:e002368; Robyns T et al. Eur J Med Genet, 2020 Mar;63:103754; Ambry internal data). This nucleotide position is not well conserved in available vertebrate species. However, in silico splice site analysis predicts that this alteration will weaken the native splice donor site, and RNA studies have demonstrated exon 7 skipping in heterozygous individuals (Singer ES et al. Circ Genom Precis Med, 2019 01;12:e002368). This variant is considered to be rare based on population cohorts in the Genome Aggregation Database (gnomAD). Based on the majority of available evidence to date, this variant is likely to be pathogenic.

Victorian Clinical Genetics Services, Murdoch Childrens Research Institute
Classification: Pathogenic for Hypertrophic cardiomyopathy 4. Last evaluated: 2023-07-16. Review status: criteria provided, single submitter. Criteria: ACMG Guidelines, 2015. Collection method: clinical testing. Allele origin: germline. Affected: yes.
Comment: Based on the classification scheme VCGS_Germline_v1.3.4, this variant is classified as Pathogenic. Following criteria are met: 0102 - Loss of function is a known mechanism of disease in this gene and is associated with dilated cardiomyopathy 1MM (MIM#615396), hypertrophic cardiomyopathy 4 (MIM#115197) and left ventricular noncompaction 10 (MIM#615396) (OMIM). (I) 0108 - This gene is associated with both recessive and dominant disease. Heterozygous variants are frequently reported in adult onset conditions, however recessive inheritance results in a more severe early onset phenotype (OMIM). (I) 0210 - Splice site variant proven to affect splicing of the transcript with a known effect on protein sequence. Analysis of RNA from individuals heterozygous for this variant have demonstrated the out-of-frame skipping of exon 7, resulting in a premature termination codon (p.(Glu258Glyfs*26)) which is predicted to undergo NMD (PMID: 30645170). (SP) 0115 - Variants in this gene are known to have variable expressivity (PMID: 32841044). (I) 0251 - This variant is heterozygous. (I) 0301 - Variant is absent from gnomAD (both v2 and v3). (SP) 0311 - An alternative nucleotide change at the same canonical splice site, is present in gnomAD (v3) (1 heterozygote, 0 homozygotes). (I) 0701 - Other null variants comparable to the one identified in this case have very strong previous evidence for pathogenicity. Other NMD-predicted variants have been classfied as likely pathogenic and pathogenic by multiple clinical diagnostic laboratories (DECIPHER). It should also be noted that alternate splice site variants affecting the same nucleotide position (c.821+3G>A, c.821+3G>C) have been reported as VUS favouring pathogenicity, and observed in an individual with HCM (ClinVar, PMID: 26656175). (SP) 0808 - Previous reports of pathogenicity for this variant are conflicting. This variant has been reported in at least seven unrelated individuals (including two families) with HCM and has been classified as either a VUS, likely pathogenic or pathogenic (ClinVar, LOVD, PMIDs: 23233322, 31513939, 30645170). (I) 0905 - No published segregation evidence has been identified for this variant. (I) 1007 - No published functional evidence has been identified for this variant. (I) 1208 - Inheritance information for this variant is not currently available in this individual. (I) Legend: (SP) - Supporting pathogenic, (I) - Information, (SB) - Supporting benign

Laboratory for Molecular Medicine, Mass General Brigham Personalized Medicine
Classification: Likely pathogenic for Hypertrophic cardiomyopathy. Last evaluated: 2022-04-05. Review status: criteria provided, single submitter. Criteria: ACMG Guidelines, 2015. Collection method: clinical testing. Allele origin: germline. Inheritance: Autosomal dominant inheritance.
Comment: The p.821+3G>T variant in MYBPC3 has been reported in 4 individuals with hypertrophic cardiomyopathy (HCM) and segregated with disease in 3 affected individuals from 3 families (Kassem 2013 PMID: 23233322, Singer 2019 PMID: 30645170, Robyns 2020 PMID: 31513939, LMM data). This variant has also been reported by other clinical laboratories in ClinVar (Variation ID 228869) and was absent from large population studies. This variant is located in the 5' splice region. Computational tools predict a splicing impact, which is corroborated by in vitro functional studies on patient RNA from both blood and cardiac myocardium that show that this variant results in the skipping of exon 7 (Singer 2019 PMID: 30645170). Loss of exon 7 is predicted to result in a frameshift and a subsequent premature termination codon. In summary, although additional studies are required to fully establish its clinical significance, this variant meets criteria to be classified as likely pathogenic for autosomal dominant HCM. ACMG/AMP Criteria applied: PS4_Supporting, PM2_Supporting, PS3_Moderate, PP1, PP3.

Agnes Ginges Centre for Molecular Cardiology, Centenary Institute
Classification: Likely pathogenic for Hypertrophic cardiomyopathy 4. Last evaluated: 2019-08-22. Review status: criteria provided, single submitter. Criteria: ACMG Guidelines, 2015. Collection method: research. Allele origin: germline. Inheritance: Autosomal dominant inheritance. Affected: yes.
Comment: MYBPC3 c.821+3G>T variant has been reported in one HCM case, this proband carried another MYBPC3 variant however, only the c.821+3G>T variant segregated to another affected family member (Kassem HSh, et al., 2013). The variant is absent from the Genome Aggregation Database. In silico tools MaxEntScan and AdaBoost predict that this variant is likely to cause aberrant splicing. Amplification of RNA extracted from septal myectomy tissue and blood showed skipping of exon 7 in MYBPC3 (Singer et al., 2019). Loss of exon 7 is predicted to result in a shift in the reading frame and a subsequent premature stop codon . Based on the adapted ACMG criteria (Kelly MA, et al., 2018) this variant is very rare in the general population (PM2), in silico tools predict aberrant splicing to occur and this was confirmed in RNA studies which showed exon 7 skipping (PS3), and the variant has been reported in a total of 2 unrelated HCM probands (PS4_supporting), therefore we classify MYBPC3 c.821+3G>T as 'likely pathogenic'.

CHEO Genetics Diagnostic Laboratory, Children's Hospital of Eastern Ontario
Classification: Likely pathogenic for Cardiomyopathy. Last evaluated: 2017-11-09. Review status: criteria provided, single submitter. Criteria: ACMG Guidelines, 2015. Collection method: clinical testing. Allele origin: germline.

Center for Human Genetics, University of Leuven
Classification: Uncertain significance for Hypertrophic cardiomyopathy. Last evaluated: 2018-10-31. Review status: flagged submission. Criteria: ACMG Guidelines, 2015. Collection method: clinical testing. Allele origin: germline. Affected: yes. Not counted in ClinVar's aggregate classification.
ClinVar note: Reason: Older and outlier claim with insufficient supporting evidence

Literature cited by the submitters: PubMed 23233322 (cited by 5 submitters); PubMed 30645170 (cited by 5 submitters); PubMed 31513939 (cited by 4 submitters); PubMed 17576681 (cited by Labcorp Genetics (formerly Invitae), Labcorp); PubMed 9536098 (cited by Labcorp Genetics (formerly Invitae), Labcorp); PubMed 36252119 (cited by Ambry Genetics); PubMed 36264615 (cited by Ambry Genetics); PubMed 26656175 (cited by Victorian Clinical Genetics Services, Murdoch Childrens Research Institute); PubMed 32841044 (cited by Victorian Clinical Genetics Services, Murdoch Childrens Research Institute).